The following is an entry in ClinVar:

ClinVar aggregate classification (germline): Benign/Likely benign. Review status: criteria provided, multiple submitters, no conflicts (2 of 4 stars). 4 submissions from 4 submitters: Benign (2); Likely benign (1). 1 of the submissions does not count toward it. Last evaluated 2026-01-12.

Conditions:
BNC2-related disorder. Also called: BNC2-related condition.
Lower urinary tract obstruction, congenital. Identifiers: MedGen C5231427, MONDO:0032833, OMIM 618612.

Allele frequency attached by ClinVar (database versions not stated): gnomAD exomes 0.00806 and 0.00171; ESP Exome Variant Server 0.00023; gnomAD 0.00245 and 0.00247; 1000 Genomes Project 0.00300; 1000 Genomes Project 30x 0.00359; TOPMed 0.00501; ExAC 0.00576.
gnomAD v4.1: 2,840 of 1,614,142 alleles (0.18%); highest among the groups gnomAD compares: Admixed American, 4.2%; 82 homozygotes.

Submissions (4):

Labcorp Genetics (formerly Invitae), Labcorp
Classification: Benign. Last evaluated: 2026-01-12. Review status: criteria provided, single submitter. Criteria: Invitae Variant Classification Sherloc (09022015). Collection method: clinical testing. Allele origin: germline.

Fulgent Genetics
Classification: Likely benign for Lower urinary tract obstruction, congenital. Last evaluated: 2022-03-16. Review status: criteria provided, single submitter. Criteria: ACMG Guidelines, 2015. Collection method: clinical testing. Allele origin: unknown.

Breakthrough Genomics
Classification: Benign. Review status: criteria provided, single submitter. Criteria: ACMG Guidelines, 2015. Collection method: not provided. Allele origin: germline. Inheritance: Autosomal dominant inheritance. Affected: yes.

PreventionGenetics, part of Exact Sciences
Classification: Benign for BNC2-related condition. Last evaluated: 2019-04-03. Review status: no assertion criteria provided. Collection method: clinical testing. Allele origin: germline. Not counted in ClinVar's aggregate classification.
Comment: This variant is classified as benign based on ACMG/AMP sequence variant interpretation guidelines (Richards et al. 2015 PMID: 25741868, with internal and published modifications).

NM_017637.6(BNC2):c.1648T>G (p.Leu550Val)

Gene: BNC2 (basonuclin zinc finger protein 2; minus strand). Cytogenetic location: 9p22.3.
Variant type: single nucleotide variant.
Coding change: c.1648T>G on transcript NM_017637.6 (MANE Select); coding-DNA position 1648, T replaced by G.
Protein change: p.Leu550Val; replaces leucine 550 with valine.
Molecular consequence: missense variant.
Genome position (GRCh38, 1-based): chr9:16,436,546, A>C on the plus strand (T>G on the coding strand, the complement: BNC2 is on the minus strand). VCF-style: chr9-16436546-A-C. GRCh37 (hg19) VCF-style: chr9-16436544-A-C.
Other names: c.1522T>G, p.Leu508Val (NM_001317939.2); c.1363T>G, p.Leu455Val (NM_001317940.2); short protein forms L508V, L550V, L455V.
Identifiers: ClinVar variation 778378 (VCV000778378.13), dbSNP rs4961490, ClinGen allele CA4996036.